The following is an entry in ClinVar:

NM_001039141.3(TRIOBP):c.363C>A (p.Ser121=)

Gene: TRIOBP (TRIO and F-actin binding protein; plus strand). Cytogenetic location: 22q13.1.
Variant type: single nucleotide variant.
Coding change: c.363C>A on transcript NM_001039141.3 (MANE Select); coding-DNA position 363, C replaced by A.
Protein change: p.Ser121=; no amino-acid change (serine 121 retained).
Molecular consequence: synonymous variant.
Genome position (GRCh38, 1-based): chr22:37,713,318, C>A. VCF-style: chr22-37713318-C-A. GRCh37 (hg19) VCF-style: chr22-38109325-C-A.
Identifiers: ClinVar variation 666768 (VCV000666768.18), dbSNP rs201843208, ClinGen allele CA10223320.
Genomic context (GRCh38, chr22:37,713,318, plus strand): 5'-CCCCAGGAGCAGGAGCCGGGAGCTTGAGGCAGTACCCTATCTGGAGGGCCTGACCACTTC[C>A]TTGTGTGGCAGCTGCAACGAGGACCCCGGCTCTGACCCCACCTCCAGCCCTGACTCCGCC-3'
Protein context (NP_001034230.1, residues 111-131): AVPYLEGLTT[Ser121=]LCGSCNEDPG

ClinVar aggregate classification (germline): Benign/Likely benign. Review status: criteria provided, multiple submitters, no conflicts (2 of 4 stars). 6 submissions from 6 submitters: Benign (1); Likely benign (4). 1 of the submissions does not count toward it. Last evaluated 2025-12-01.

Conditions:
TRIOBP-related disorder. Also called: TRIOBP-related condition.

Allele frequency attached by ClinVar (database versions not stated): gnomAD exomes 0.00020; ExAC 0.00027; 1000 Genomes Project 0.00080; 1000 Genomes Project 30x 0.00109; TOPMed 0.00112; gnomAD 0.00080 and 0.00091; ESP Exome Variant Server 0.00095.
gnomAD v4.1: 258 of 1,614,090 alleles (0.016%); highest among the groups gnomAD compares: African/African-American, 0.33%; no homozygotes.

Submissions (6):

Labcorp Genetics (formerly Invitae), Labcorp
Classification: Benign. Last evaluated: 2025-12-01. Review status: criteria provided, single submitter. Criteria: Invitae Variant Classification Sherloc (09022015). Collection method: clinical testing. Allele origin: germline.

Blueprint Genetics
Classification: Likely benign. Last evaluated: 2024-02-15. Review status: criteria provided, single submitter. Criteria: ACMG Guidelines, 2015. Collection method: clinical testing. Allele origin: germline.

GeneDx
Classification: Likely benign. Last evaluated: 2021-03-05. Review status: criteria provided, single submitter. Criteria: GeneDx Variant Classification Process June 2021. Collection method: clinical testing. Allele origin: germline. Affected: yes.

Laboratory for Molecular Medicine, Mass General Brigham Personalized Medicine
Classification: Likely benign. Last evaluated: 2012-04-30. Review status: criteria provided, single submitter. Criteria: LMM Criteria. Collection method: clinical testing. Allele origin: germline. Observed: 1 variant allele.
Comment: Ser121Ser in Exon 05 of TRIOBP: This variant is not expected to have clinical si gnificance because it does not alter an amino acid residue, is not located withi n the splice consensus sequence, and has been identified in 0.2% (7/3518) of Afr ican American chromosomes from a broad population by the NHLBI Exome Sequencing Project.

Breakthrough Genomics
Classification: Likely benign. Review status: criteria provided, single submitter. Criteria: ACMG Guidelines, 2015. Collection method: not provided. Allele origin: germline. Inheritance: Autosomal recessive inheritance. Affected: yes.

PreventionGenetics, part of Exact Sciences
Classification: Likely benign for TRIOBP-related condition. Last evaluated: 2020-03-17. Review status: no assertion criteria provided. Collection method: clinical testing. Allele origin: germline. Not counted in ClinVar's aggregate classification.
Comment: This variant is classified as likely benign based on ACMG/AMP sequence variant interpretation guidelines (Richards et al. 2015 PMID: 25741868, with internal and published modifications).